The following is an entry in ClinVar:

NM_002180.3(IGHMBP2):c.1827G>A (p.Ala609=)

Gene: IGHMBP2 (immunoglobulin mu DNA binding protein 2; plus strand). Cytogenetic location: 11q13.3.
Variant type: single nucleotide variant.
Coding change: c.1827G>A on transcript NM_002180.3 (MANE Select); coding-DNA position 1827, G replaced by A.
Protein change: p.Ala609=; no amino-acid change (alanine 609 retained).
Molecular consequence: synonymous variant.
Genome position (GRCh38, 1-based): chr11:68,936,307, G>A. VCF-style: chr11-68936307-G-A. GRCh37 (hg19) VCF-style: chr11-68703775-G-A.
Identifiers: ClinVar variation 258564 (VCV000258564.30), dbSNP rs541245852, ClinGen allele CA6153789.

ClinVar aggregate classification (germline): Benign/Likely benign. Review status: criteria provided, multiple submitters, no conflicts (2 of 4 stars). 7 submissions from 7 submitters: Benign (6); Likely benign (1). Last evaluated 2026-01-28.

Conditions:
IGHMBP2-related disorder. Also called: IGHMBP2-related condition; IGHMBP2-related disorders.
Charcot-Marie-Tooth disease axonal type 2S. Also called: CHARCOT-MARIE-TOOTH NEUROPATHY, TYPE 2S; CHARCOT-MARIE-TOOTH DISEASE, AXONAL, AUTOSOMAL RECESSIVE, TYPE 2S. Identifiers: Orphanet 443073, MedGen C4015349, MONDO:0014511, OMIM 616155.
Autosomal recessive distal spinal muscular atrophy 1. Also called: HMN VI; NEURONOPATHY, SEVERE INFANTILE AXONAL, WITH RESPIRATORY FAILURE; SEVERE INFANTILE AXONAL NEUROPATHY WITH RESPIRATORY FAILURE; SPINAL MUSCULAR ATROPHY, DIAPHRAGMATIC; Spinal muscular atrophy with respiratory distress 1; NEURONOPATHY, DISTAL HEREDITARY MOTOR, HARDING TYPE VI. Identifiers: Orphanet 98920, MedGen C1858517, MONDO:0011436, OMIM 604320.
Charcot-Marie-Tooth disease. Also called: Charcot-Marie-Tooth Hereditary Neuropathy; Charcot-Marie-Tooth Neuropathy. Identifiers: Orphanet 166, MedGen C0007959, MONDO:0015626.
Inborn genetic diseases. Identifiers: MedGen C0950123, MeSH D030342.

Allele frequency attached by ClinVar (database versions not stated): gnomAD 0.00003 and 0.00049; TOPMed 0.00012; gnomAD exomes 0.00089 and 0.00173; ExAC 0.00194; 1000 Genomes Project 0.00379; 1000 Genomes Project 30x 0.00406.
gnomAD v4.1: 1,380 of 1,614,166 alleles (0.085%); highest among the groups gnomAD compares: South Asian, 1.4%; 18 homozygotes.

Submissions (7):

Labcorp Genetics (formerly Invitae), Labcorp
Classification: Benign for Autosomal recessive distal spinal muscular atrophy 1; Charcot-Marie-Tooth disease axonal type 2S. Last evaluated: 2026-01-28. Review status: criteria provided, single submitter. Criteria: Invitae Variant Classification Sherloc (09022015). Collection method: clinical testing. Allele origin: germline.

PreventionGenetics, part of Exact Sciences
Classification: Benign for IGHMBP2-related condition. Last evaluated: 2026-01-12. Review status: criteria provided, single submitter. Criteria: ACMG Guidelines, 2015. Collection method: clinical testing. Allele origin: germline.
Comment: This variant is classified as benign based on ACMG/AMP sequence variant interpretation guidelines (Richards et al. 2015 PMID: 25741868, with internal and published modifications).

CeGaT Center for Human Genetics Tuebingen
Classification: Benign. Last evaluated: 2025-12-01. Review status: criteria provided, single submitter. Criteria: CeGaT Center For Human Genetics Tuebingen Variant Classification Criteria Version 2. Collection method: clinical testing. Allele origin: germline. Affected: yes. Observed: 2 variant alleles.
Comment: IGHMBP2: BP4, BP7, BS1, BS2

Ambry Genetics
Classification: Likely benign for Inborn genetic diseases. Last evaluated: 2019-07-11. Review status: criteria provided, single submitter. Criteria: Ambry Variant Classification Scheme 2023. Collection method: clinical testing. Allele origin: germline.

GeneDx
Classification: Benign. Last evaluated: 2018-07-20. Review status: criteria provided, single submitter. Criteria: GeneDx Variant Classification Process June 2021. Collection method: clinical testing. Allele origin: germline. Affected: yes.

Illumina Laboratory Services, Illumina
Classification: Benign for Autosomal recessive distal spinal muscular atrophy 1. Last evaluated: 2018-01-12. Review status: criteria provided, single submitter. Criteria: ICSL Variant Classification Criteria 13 December 2019. Collection method: clinical testing. Allele origin: germline.
Comment: This variant was observed in the ICSL laboratory as part of a predisposition screen in an ostensibly healthy population. It had not been previously curated by ICSL or reported in the Human Gene Mutation Database (HGMD: prior to June 1st, 2018), and was therefore a candidate for classification through an automated scoring system. Utilizing variant allele frequency, disease prevalence and penetrance estimates, and inheritance mode, an automated score was calculated to assess if this variant is too frequent to cause the disease. Based on the score and internal cut-off values, a variant classified as benign is not then subjected to further curation. The score for this variant resulted in a classification of benign for this disease.

Molecular Genetics Laboratory, London Health Sciences Centre
Classification: Benign for Charcot-Marie-Tooth disease. Review status: criteria provided, single submitter. Criteria: ACMG Guidelines, 2015. Collection method: clinical testing. Allele origin: germline. Affected: yes.